The following is an entry in ClinVar:

ClinVar aggregate classification (germline): Uncertain significance (1 of 4 stars; one submission).

Conditions:
Atypical glycine encephalopathy. Also called: Glycine encephalopathy with normal serum glycine. Identifiers: Orphanet 289863, MedGen C4310943, MONDO:0015010, OMIM 617301.

Allele frequency attached by ClinVar (database versions not stated): gnomAD 0.00004 and 0.00006; TOPMed 0.00005; gnomAD exomes 0.00013 and 0.00016; 1000 Genomes Project 30x 0.00016; ExAC 0.00016; 1000 Genomes Project 0.00020.
gnomAD v4.1: 197 of 1,614,002 alleles (0.012%); highest among the groups gnomAD compares: South Asian, 0.11%; 1 homozygote.

Submission:

Labcorp Genetics (formerly Invitae), Labcorp
Classification: Uncertain significance for Atypical glycine encephalopathy. Last evaluated: 2022-11-08. Review status: criteria provided, single submitter. Criteria: Invitae Variant Classification Sherloc (09022015). Collection method: clinical testing. Allele origin: germline.
Comment: In summary, the available evidence is currently insufficient to determine the role of this variant in disease. Therefore, it has been classified as a Variant of Uncertain Significance. Algorithms developed to predict the effect of missense changes on protein structure and function are either unavailable or do not agree on the potential impact of this missense change (SIFT: "Deleterious"; PolyPhen-2: "Benign"; Align-GVGD: "Class C0"). ClinVar contains an entry for this variant (Variation ID: 1448320). This variant has not been reported in the literature in individuals affected with SLC6A9-related conditions. This variant is present in population databases (rs200955940, gnomAD 0.09%). This sequence change replaces glycine, which is neutral and non-polar, with valine, which is neutral and non-polar, at codon 677 of the SLC6A9 protein (p.Gly677Val).

NM_001024845.3(SLC6A9):c.1811G>T (p.Gly604Val)

Gene: SLC6A9 (solute carrier family 6 member 9; minus strand). Cytogenetic location: 1p34.1.
Variant type: single nucleotide variant.
Coding change: c.1811G>T on transcript NM_001024845.3 (MANE Select); coding-DNA position 1811, G replaced by T.
Protein change: p.Gly604Val; replaces glycine 604 with valine.
Molecular consequence: missense variant. On other transcripts: non-coding transcript variant (1).
Genome position (GRCh38, 1-based): chr1:43,997,636, C>A on the plus strand (G>T on the coding strand, the complement: SLC6A9 is on the minus strand). VCF-style: chr1-43997636-C-A. GRCh37 (hg19) VCF-style: chr1-44463308-C-A.
Other names: c.1823G>T, p.Gly608Val (NM_001261380.2); c.1478G>T, p.Gly493Val (NM_001328626.2); c.1748G>T, p.Gly583Val (NM_001328627.1); c.1616G>T, p.Gly539Val (NM_001328628.1); c.1811G>T, p.Gly604Val (NM_001328629.1); c.1307G>T, p.Gly436Val (NM_001328630.2); c.1868G>T, p.Gly623Val (NM_006934.4); c.2030G>T, p.Gly677Val (NM_201649.4); short protein forms G493V, G583V, G604V, G623V, G677V, G436V, G539V, G608V.
Identifiers: ClinVar variation 1448320 (VCV001448320.6), dbSNP rs200955940, ClinGen allele CA817349.